The following is an entry in ClinVar:

ClinVar aggregate classification (germline): Uncertain significance (1 of 4 stars; one submission).

Submission:

GeneDx
Classification: Uncertain significance. Last evaluated: 2023-10-05. Review status: criteria provided, single submitter. Criteria: GeneDx Variant Classification Process June 2021. Collection method: clinical testing. Allele origin: germline. Affected: yes.
Comment: Not observed at significant frequency in large population cohorts (gnomAD); In silico analysis supports that this missense variant has a deleterious effect on protein structure/function; Has not been previously published as pathogenic or benign to our knowledge

NM_017617.5(NOTCH1):c.2071G>A (p.Gly691Ser)

Gene: NOTCH1 (notch receptor 1; minus strand). Cytogenetic location: 9q34.3.
Variant type: single nucleotide variant.
Coding change: c.2071G>A on transcript NM_017617.5 (MANE Select); coding-DNA position 2071, G replaced by A.
Protein change: p.Gly691Ser; replaces glycine 691 with serine.
Molecular consequence: missense variant.
Genome position (GRCh38, 1-based): chr9:136,514,646, C>T on the plus strand (G>A on the coding strand, the complement: NOTCH1 is on the minus strand). VCF-style: chr9-136514646-C-T. GRCh37 (hg19) VCF-style: chr9-139409098-C-T.
Other names: short protein forms G691S.
Identifiers: ClinVar variation 3252753 (VCV003252753.1), dbSNP rs2133361080.
Genomic context (GRCh38, chr9:136,514,646, plus strand): 5'-GGTCGTGGTAGCCCTCGGGGCAGCGGCAGGTGAAGCCATTGATGCCGTCCTCGCAGGTGC[C>T]CCCGTTGTGGCAGGGGTTGCCCGCACACTCATCGATGTTGATGTTACACATGCTCCCTAA-3'
Protein context (NP_060087.3, residues 681-701): ECAGNPCHNG[Gly691Ser]TCEDGINGFT